The following is an entry in ClinVar:

ClinVar aggregate classification (germline): Pathogenic/Likely pathogenic. Review status: criteria provided, multiple submitters, no conflicts (2 of 4 stars). 6 submissions from 6 submitters: Pathogenic (5); Likely pathogenic (1). Last evaluated 2026-02-13.

Conditions:
Recessive dystrophic epidermolysis bullosa (RDEB). Also called: Hallopeau-Siemens Disease; EPIDERMOLYSIS BULLOSA DYSTROPHICA, GENERALIZED SEVERE, AUTOSOMAL RECESSIVE; DYSTROPHIC EPIDERMOLYSIS BULLOSA, AUTOSOMAL RECESSIVE; EPIDERMOLYSIS BULLOSA DYSTROPHICA, HALLOPEAU-SIEMENS TYPE; severe generalized recessive dystrophic epidermolysis bullosa; Epidermolysis Bullosa Distrophica Autosomal Recessive (RDEB). Identifiers: Orphanet 79408, Orphanet 79409, MedGen C0079474, MONDO:0009179, OMIM 226600.
COL7A1-related disorder. Also called: COL7A1-related condition; COL7A1- related disorders.
Epidermolysis bullosa dystrophica. Also called: Dystrophic epidermolysis bullosa, Hallopeau-Siemens type (formerly); Dystrophic epidermolysis bullosa. Identifiers: Orphanet 303, MedGen C0079294, MONDO:0006543.

Allele frequency attached by ClinVar (database versions not stated): ExAC 0.00001; gnomAD 0.00001; gnomAD exomes 0.00001; TOPMed 0.00001.
gnomAD v4.1: 11 of 1,613,398 alleles (0.00068%); highest among the groups gnomAD compares: Non-Finnish European, 0.00093%; no homozygotes.

Submissions (6):

OLLIN Analises Genomicas, OLLIN
Classification: Likely pathogenic for Recessive dystrophic epidermolysis bullosa. Last evaluated: 2026-02-13. Review status: criteria provided, single submitter. Criteria: ACMG Guidelines 2015 PMID 25741868. Collection method: clinical testing. Allele origin: germline. Observed: 1 variant allele.
Comment: PVS1, PM2_P

PreventionGenetics, part of Exact Sciences
Classification: Pathogenic for COL7A1-related condition. Last evaluated: 2025-09-30. Review status: criteria provided, single submitter. Criteria: ACMG Guidelines, 2015. Collection method: clinical testing. Allele origin: germline.
Comment: The COL7A1 c.5188C>T variant is predicted to result in premature protein termination (p.Arg1730*). This variant has been reported in the homozygous or compound heterozygous state in individuals with autosomal recessive dystrophic epidermolysis bullosa (RDEB) (Whittock et al. 1999. PubMed ID: 10504458; Table S1, Cuadrado-Corrales et al. 2010. PubMed ID: 20920254; Table S5, Chen et al. 2023. PubMed ID: 36287101). This variant is reported in 0.0018% of alleles in individuals of European (non-Finnish) descent in gnomAD. Nonsense variants in COL7A1 are expected to be pathogenic. This variant is interpreted as pathogenic.

Natera, Inc.
Classification: Pathogenic for Dystrophic epidermolysis bullosa. Last evaluated: 2025-05-28. Review status: criteria provided, single submitter. Criteria: Natera Variant Classification Schema (03/2026). Collection method: clinical testing. Allele origin: germline.
Comment: The c.5188C>T variant in COL7A1 is a nonsense variant predicted to introduce a stop codon at amino acid 1730. This variant is expected to result in nonsense mediated decay, truncation, or a dysfunctional protein product. This variant is rare in the general population with a frequency below the threshold expected for the associated phenotype(s). This variant has been observed in one or more individuals affected with the associated recessive disease, as either homozygous or compound heterozygous with a second variant (PMID: 36287101). Given the available evidence, this variant is classified as Pathogenic.

Labcorp Genetics (formerly Invitae), Labcorp
Classification: Pathogenic. Last evaluated: 2023-10-29. Review status: criteria provided, single submitter. Criteria: Invitae Variant Classification Sherloc (09022015). Collection method: clinical testing. Allele origin: germline.
Comment: This sequence change creates a premature translational stop signal (p.Arg1730*) in the COL7A1 gene. It is expected to result in an absent or disrupted protein product. Loss-of-function variants in COL7A1 are known to be pathogenic (PMID: 16971478). This variant is present in population databases (rs746053763, gnomAD 0.002%). This premature translational stop signal has been observed in individual(s) with epidermolysis bullosa dystrophica (PMID: 10504458). ClinVar contains an entry for this variant (Variation ID: 936007). For these reasons, this variant has been classified as Pathogenic.

Foundation for Research in Genetics and Endocrinology, FRIGE's Institute of Human Genetics
Classification: Pathogenic for Recessive dystrophic epidermolysis bullosa. Last evaluated: 2023-02-03. Review status: criteria provided, single submitter. Criteria: ACMG Guidelines, 2015. Collection method: clinical testing. Allele origin: germline. Inheritance: Autosomal recessive inheritance. Affected: yes. Observed: 1 homozygote.
Comment: A homozygous nonsense variation in exon 59 of the COL7A1 gene that results in a stop codon and premature truncation of the protein at codon 1730 (p.Arg1730Ter) was detected. This variant has not been reported in the 1000 genomes and gnomAD databases. The in silico prediction of the variant is damaging by MuationTaster2. The reference codon is conserved across mammals. In summary, the variant meets our criteria to be classified as pathogenic.

Biomedical Innovation Departament, CIEMAT
Classification: Pathogenic for Dystrophic epidermolysis bullosa. Last evaluated: 2015-04-30. Review status: criteria provided, single submitter. Criteria: ACMG Guidelines, 2015. Collection method: research. Allele origin: germline. Affected: yes. Observed: 2 variant alleles.

Literature cited by the submitters: PubMed 36287101 (cited by Natera, Inc.); PubMed 16971478 (cited by Labcorp Genetics (formerly Invitae), Labcorp); PubMed 10504458 (cited by Labcorp Genetics (formerly Invitae), Labcorp and Biomedical Innovation Departament, CIEMAT).

NM_000094.4(COL7A1):c.5188C>T (p.Arg1730Ter)

Gene: COL7A1 (collagen type VII alpha 1 chain; minus strand). Cytogenetic location: 3p21.31.
Variant type: single nucleotide variant.
Coding change: c.5188C>T on transcript NM_000094.4 (MANE Select); coding-DNA position 5188, C replaced by T.
Protein change: p.Arg1730Ter; replaces arginine 1730 with a stop codon.
Molecular consequence: nonsense.
Genome position (GRCh38, 1-based): chr3:48,579,635, G>A on the plus strand (C>T on the coding strand, the complement: COL7A1 is on the minus strand). VCF-style: chr3-48579635-G-A. GRCh37 (hg19) VCF-style: chr3-48617068-G-A.
Other names: p.Arg1730Ter; short protein forms R1730*.
Identifiers: ClinVar variation 936007 (VCV000936007.12), dbSNP rs746053763, ClinGen allele CA2379619.